The following is an entry in ClinVar:

NM_001379451.1(BCORL1):c.4936del (p.Ala1646fs)

Gene: BCORL1 (BCL6 corepressor like 1; plus strand). Cytogenetic location: Xq26.1.
Variant type: Deletion.
Coding change: c.4936del on transcript NM_001379451.1 (MANE Select); coding-DNA position 4936, one base deleted (G; older notation c.4936delG).
Protein change: p.Ala1646fs; shifts the reading frame from alanine 1646.
Molecular consequence: frameshift variant.
Genome position (GRCh38, 1-based): chrX:130,051,877, G deleted. VCF-style (leftmost placement, unchanged base first): chrX-130051876-TG-T. GRCh37 (hg19) VCF-style: chrX-129185851-TG-T.
Other names: c.4936del, p.Ala1646fs (NM_001184772.3, NM_001379450.1, NM_001441326.1 and 2 more transcripts); c.4546del, p.Ala1516fs (NM_001441329.1, NM_001441330.1, NM_001441331.1 and 1 more transcripts); c.4714del, p.Ala1572fs (NM_021946.5); short protein forms A1516fs, A1572fs, A1646fs.
Identifiers: ClinVar variation 4850838 (VCV004850838.1).

ClinVar aggregate classification (germline): Uncertain significance (1 of 4 stars; one submission).

Submission:

Greenwood Genetic Center Diagnostic Laboratories, Greenwood Genetic Center
Classification: Uncertain significance. Last evaluated: 2025-03-27. Review status: criteria provided, single submitter. Criteria: ACMG Guidelines, 2015. Collection method: clinical testing. Allele origin: germline.
Comment: PM2